The following is an entry in ClinVar:

ClinVar aggregate classification (germline): Conflicting classifications of pathogenicity. Review status: criteria provided, conflicting classifications (1 of 4 stars). 6 submissions from 5 submitters: Likely pathogenic (4); Uncertain significance (1). 1 of the submissions does not count toward it. Last evaluated 2025-09-10.

Conditions:
Retinitis pigmentosa 39 (RP39). Identifiers: Orphanet 791, MedGen C3151138, MONDO:0013436, OMIM 613809.
Usher syndrome type 2A. Also called: RETINAL DISEASE IN USHER SYNDROME TYPE IIA, MODIFIER OF; USHER SYNDROME, TYPE IIA. Identifiers: Orphanet 231178, Orphanet 886, MedGen C1848634, MONDO:0010169, OMIM 276901.

Allele frequency attached by ClinVar (database versions not stated): gnomAD exomes below 0.00001; TOPMed below 0.00001; ExAC 0.00001; ESP Exome Variant Server 0.00008.
gnomAD v4.1: 1 of 1,612,106 alleles (0.000062%); highest among the groups gnomAD compares: Non-Finnish European, 0.000085%; no homozygotes.

Submissions (6):

Genomic Medicine Center of Excellence, King Faisal Specialist Hospital and Research Centre
Classification: Uncertain significance for Usher syndrome type 2A. Last evaluated: 2025-09-10. Review status: criteria provided, single submitter. Criteria: ACMG Guidelines, 2015. Collection method: clinical testing. Allele origin: germline.

Labcorp Genetics (formerly Invitae), Labcorp
Classification: Likely pathogenic. Last evaluated: 2023-09-22. Review status: criteria provided, single submitter. Criteria: Invitae Variant Classification Sherloc (09022015). Collection method: clinical testing. Allele origin: germline.
Comment: This variant has not been reported in the literature in individuals affected with USH2A-related conditions. In summary, the currently available evidence indicates that the variant is pathogenic, but additional data are needed to prove that conclusively. Therefore, this variant has been classified as Likely Pathogenic. Algorithms developed to predict the effect of sequence changes on RNA splicing suggest that this variant may disrupt the consensus splice site. ClinVar contains an entry for this variant (Variation ID: 551509). The frequency data for this variant in the population databases is considered unreliable, as metrics indicate poor data quality at this position in the gnomAD database. This sequence change affects an acceptor splice site in intron 24 of the USH2A gene. It is expected to disrupt RNA splicing. Variants that disrupt the donor or acceptor splice site typically lead to a loss of protein function (PMID: 16199547), and loss-of-function variants in USH2A are known to be pathogenic (PMID: 10729113, 10909849, 20507924, 25649381).

Genome-Nilou Lab
Classification: Likely pathogenic for Retinitis pigmentosa 39. Last evaluated: 2023-04-11. Review status: criteria provided, single submitter. Criteria: ACMG Guidelines, 2015. Collection method: clinical testing. Allele origin: germline. Affected: no.

Genome-Nilou Lab
Classification: Likely pathogenic for Usher syndrome type 2A. Last evaluated: 2023-04-11. Review status: criteria provided, single submitter. Criteria: ACMG Guidelines, 2015. Collection method: clinical testing. Allele origin: germline. Affected: no.

Baylor Genetics
Classification: Likely pathogenic for Retinitis pigmentosa 39. Last evaluated: 2022-11-23. Review status: criteria provided, single submitter. Criteria: ACMG Guidelines, 2015. Collection method: clinical testing. Allele origin: unknown.

Counsyl
Classification: Likely pathogenic for Usher syndrome type 2A; Retinitis pigmentosa 39. Last evaluated: 2017-10-05. Review status: no assertion criteria provided. Collection method: clinical testing. Allele origin: unknown. Not counted in ClinVar's aggregate classification.

Literature cited by the submitters: PubMed 16199547 (cited by Labcorp Genetics (formerly Invitae), Labcorp); PubMed 10729113 (cited by Labcorp Genetics (formerly Invitae), Labcorp); PubMed 10909849 (cited by Labcorp Genetics (formerly Invitae), Labcorp); PubMed 20507924 (cited by Labcorp Genetics (formerly Invitae), Labcorp); PubMed 25649381 (cited by Labcorp Genetics (formerly Invitae), Labcorp).

NM_206933.4(USH2A):c.4988-2A>G

Genes: USH2A (usherin; minus strand), USH2A-AS2 (USH2A antisense RNA 2; plus strand). Cytogenetic location: 1q41.
Variant type: single nucleotide variant.
Coding change: c.4988-2A>G on transcript NM_206933.4 (MANE Select); the canonical splice acceptor site of the intron before coding-DNA position 4988, A replaced by G.
Molecular consequence: splice acceptor variant.
Genome position (GRCh38, 1-based): chr1:216,084,879, T>C on the plus strand (A>G on the coding strand, the complement: USH2A is on the minus strand). VCF-style: chr1-216084879-T-C. GRCh37 (hg19) VCF-style: chr1-216258221-T-C.
Identifiers: ClinVar variation 551509 (VCV000551509.10), dbSNP rs143521854, ClinGen allele CA1395555.